The following is an entry in ClinVar:

ClinVar aggregate classification (germline): Uncertain significance (1 of 4 stars; one submission).

Conditions:
Hereditary cancer-predisposing syndrome. Also called: Hereditary Cancer Syndrome; Hereditary neoplastic syndrome; Neoplastic Syndromes, Hereditary; Tumor predisposition. Identifiers: Orphanet 140162, MedGen C0027672, MeSH D009386, MONDO:0015356.

Submission:

Ambry Genetics
Classification: Uncertain significance for Hereditary cancer-predisposing syndrome. Last evaluated: 2025-04-05. Review status: criteria provided, single submitter. Criteria: Ambry Variant Classification Scheme 2023. Collection method: clinical testing. Allele origin: germline.
Comment: The p.R239K variant (also known as c.716G>A), located in coding exon 4 of the PALB2 gene, results from a G to A substitution at nucleotide position 716. The arginine at codon 239 is replaced by lysine, an amino acid with highly similar properties. This amino acid position is conserved. In addition, this alteration is predicted to be tolerated by in silico analysis. Based on the available evidence, the clinical significance of this variant remains unclear.

NM_024675.4(PALB2):c.716G>A (p.Arg239Lys)

Gene: PALB2 (partner and localizer of BRCA2; minus strand). Cytogenetic location: 16p12.2.
Variant type: single nucleotide variant.
Coding change: c.716G>A on transcript NM_024675.4 (MANE Select); coding-DNA position 716, G replaced by A.
Protein change: p.Arg239Lys; replaces arginine 239 with lysine.
Molecular consequence: missense variant. On other transcripts: 5 prime UTR variant (8), intron variant (3).
Genome position (GRCh38, 1-based): chr16:23,635,830, C>T on the plus strand (G>A on the coding strand, the complement: PALB2 is on the minus strand). VCF-style: chr16-23635830-C-T. GRCh37 (hg19) VCF-style: chr16-23647151-C-T.
Other names: c.656G>A, p.Arg219Lys (NM_001407296.1); c.716G>A, p.Arg239Lys (NM_001407297.1, NM_001407298.1, NM_001407299.1 and 3 more transcripts); c.-170G>A (NM_001407304.1, NM_001407305.1, NM_001407306.1 and 5 more transcripts); c.48+5280G>A (NM_001407314.1); c.-105+5280G>A (NM_001407313.1, NM_001407312.1); short protein forms R219K, R239K.
Identifiers: ClinVar variation 3927431 (VCV003927431.1).